The following is an entry in ClinVar:

ClinVar aggregate classification (germline): Likely benign. Review status: criteria provided, multiple submitters, no conflicts (2 of 4 stars). 4 submissions from 4 submitters: Likely benign (4). Last evaluated 2025-10-01.

Conditions:
Cardiovascular phenotype. Identifiers: MedGen CN230736.
Cardiomyopathy (CMYO). Also called: Cardiomyopathies. Identifiers: Orphanet 167848, MedGen C0878544, MONDO:0004994, HP:0001638. Inheritance: Various modes of inheritance.
Catecholaminergic polymorphic ventricular tachycardia 1. Also called: VENTRICULAR TACHYCARDIA, CATECHOLAMINERGIC POLYMORPHIC, 1, WITH OR WITHOUT ATRIAL DYSFUNCTION AND/OR DILATED CARDIOMYOPATHY; VENTRICULAR TACHYCARDIA, STRESS-INDUCED POLYMORPHIC 1; RYR2-Related Catecholaminergic Polymorphic Ventricular Tachycardia. Identifiers: Orphanet 3286, MedGen C1631597, MONDO:0011484, OMIM 604772.
Catecholaminergic polymorphic ventricular tachycardia (CVPT). Also called: Catecholamine-induced polymorphic ventricular tachycardia. Identifiers: Orphanet 3286, MedGen C5574922, MONDO:0017990.

Allele frequency attached by ClinVar (database versions not stated): gnomAD exomes below 0.00001; gnomAD 0.00001; TOPMed 0.00003.
gnomAD v4.1: 6 of 1,568,034 alleles (0.00038%); highest among the groups gnomAD compares: Admixed American, 0.0019%; no homozygotes.

Submissions (4):

Labcorp Genetics (formerly Invitae), Labcorp
Classification: Likely benign for Catecholaminergic polymorphic ventricular tachycardia 1. Last evaluated: 2025-10-01. Review status: criteria provided, single submitter. Criteria: Invitae Variant Classification Sherloc (09022015). Collection method: clinical testing. Allele origin: germline.

All of Us Research Program, National Institutes of Health
Classification: Likely benign for Catecholaminergic polymorphic ventricular tachycardia. Last evaluated: 2023-12-01. Review status: criteria provided, single submitter. Criteria: ACMG Guidelines, 2015. Collection method: clinical testing. Allele origin: germline. Inheritance: Autosomal dominant inheritance. Observed: 2 variant alleles, 2 heterozygotes.
Comment: This study involves interpretation of variants in research participants for the purpose of population health screening. Participant phenotype was not available at the time of variant classification. Additional details can be found in publication PMID: 35346344, PMCID: PMC8962531

Color Diagnostics, LLC DBA Color Health
Classification: Likely benign for Cardiomyopathy. Last evaluated: 2021-09-15. Review status: criteria provided, single submitter. Criteria: ACMG Guidelines, 2015. Collection method: clinical testing. Allele origin: germline.

Ambry Genetics
Classification: Likely benign for Cardiovascular phenotype. Last evaluated: 2020-09-16. Review status: criteria provided, single submitter. Criteria: Ambry Variant Classification Scheme 2023. Collection method: clinical testing. Allele origin: germline.

NM_001035.3(RYR2):c.8583G>A (p.Glu2861=)

Gene: RYR2 (ryanodine receptor 2; plus strand). Cytogenetic location: 1q43.
Variant type: single nucleotide variant.
Coding change: c.8583G>A on transcript NM_001035.3 (MANE Select); coding-DNA position 8583, G replaced by A.
Protein change: p.Glu2861=; no amino-acid change (glutamic acid 2861 retained).
Molecular consequence: synonymous variant.
Genome position (GRCh38, 1-based): chr1:237,667,951, G>A. VCF-style: chr1-237667951-G-A. GRCh37 (hg19) VCF-style: chr1-237831251-G-A.
Identifiers: ClinVar variation 1155326 (VCV001155326.14), dbSNP rs1312234082, ClinGen allele CA423821276.
Genomic context (GRCh38, chr1:237,667,951, plus strand): 5'-AGAAATGATGGCTGAAAACTACCATAATATATGGGCAAAGAAAAAGAAAATGGAGTTGGA[G>A]TCCAAAGGTAATATTTTCTAAAAACGTTTATTAAAAAATAATCTGAGCTCAATTCCATGA-3'
Protein context (NP_001026.2, residues 2851-2871): IWAKKKKMEL[Glu2861=]SKGGGNHPLL